The following is an entry in ClinVar:

NM_000260.4(MYO7A):c.1856A>G (p.Glu619Gly)

Gene: MYO7A (myosin VIIA; plus strand). Cytogenetic location: 11q13.5.
Variant type: single nucleotide variant.
Coding change: c.1856A>G on transcript NM_000260.4 (MANE Select); coding-DNA position 1856, A replaced by G.
Protein change: p.Glu619Gly; replaces glutamic acid 619 with glycine.
Molecular consequence: missense variant.
Genome position (GRCh38, 1-based): chr11:77,172,806, A>G. VCF-style: chr11-77172806-A-G. GRCh37 (hg19) VCF-style: chr11-76883852-A-G.
Other names: c.1856A>G, p.Glu619Gly (NM_001127180.2); c.1823A>G, p.Glu608Gly (NM_001369365.1); short protein forms E619G, E608G.
Identifiers: ClinVar variation 3634253 (VCV003634253.2).
Genomic context (GRCh38, chr11:77,172,806, plus strand): 5'-AGGGCGCCGAGACCAGGAAGCGCTCGCCCACACTTAGCAGCCAGTTCAAGCGGTCACTGG[A>G]GCTGCTGATGCGCACGCTGGGTGCCTGCCAGCCCTTCTTTGTGCGATGCATCAAGCCCAA-3'
Protein context (NP_000251.3, residues 609-629): TLSSQFKRSL[Glu619Gly]LLMRTLGACQ

ClinVar aggregate classification (germline): Uncertain significance (1 of 4 stars; one submission).

Submission:

Labcorp Genetics (formerly Invitae), Labcorp
Classification: Uncertain significance. Last evaluated: 2024-05-16. Review status: criteria provided, single submitter. Criteria: Invitae Variant Classification Sherloc (09022015). Collection method: clinical testing. Allele origin: germline.
Comment: This sequence change replaces glutamic acid, which is acidic and polar, with glycine, which is neutral and non-polar, at codon 619 of the MYO7A protein (p.Glu619Gly). This variant is not present in population databases (gnomAD no frequency). This variant has not been reported in the literature in individuals affected with MYO7A-related conditions. Advanced modeling of protein sequence and biophysical properties (such as structural, functional, and spatial information, amino acid conservation, physicochemical variation, residue mobility, and thermodynamic stability) performed at Invitae indicates that this missense variant is expected to disrupt MYO7A protein function with a positive predictive value of 95%. In summary, the available evidence is currently insufficient to determine the role of this variant in disease. Therefore, it has been classified as a Variant of Uncertain Significance.